The following is an entry in ClinVar:

ClinVar aggregate classification (germline): Uncertain significance (1 of 4 stars; one submission).

Submission:

GeneDx
Classification: Uncertain significance. Last evaluated: 2024-02-23. Review status: criteria provided, single submitter. Criteria: GeneDx Variant Classification Process June 2021. Collection method: clinical testing. Allele origin: germline. Affected: yes.
Comment: Not observed at significant frequency in large population cohorts (gnomAD); In silico analysis supports that this missense variant has a deleterious effect on protein structure/function; Has not been previously published as pathogenic or benign to our knowledge

NM_001330700.2(TOP2B):c.2323A>G (p.Met775Val)

Gene: TOP2B (DNA topoisomerase II beta; minus strand). Cytogenetic location: 3p24.2.
Variant type: single nucleotide variant.
Coding change: c.2323A>G on transcript NM_001330700.2 (MANE Select); coding-DNA position 2323, A replaced by G.
Protein change: p.Met775Val; replaces methionine 775 with valine.
Molecular consequence: missense variant.
Genome position (GRCh38, 1-based): chr3:25,624,705, T>C on the plus strand (A>G on the coding strand, the complement: TOP2B is on the minus strand). VCF-style: chr3-25624705-T-C. GRCh37 (hg19) VCF-style: chr3-25666196-T-C.
Other names: c.2308A>G, p.Met770Val (NM_001068.3); short protein forms M770V, M775V.
Identifiers: ClinVar variation 3369498 (VCV003369498.1).